The following is an entry in ClinVar:

ClinVar aggregate classification (germline): Uncertain significance (1 of 4 stars; one submission).

Submission:

Labcorp Genetics (formerly Invitae), Labcorp
Classification: Uncertain significance. Last evaluated: 2025-07-13. Review status: criteria provided, single submitter. Criteria: Invitae Variant Classification Sherloc (09022015). Collection method: clinical testing. Allele origin: germline.
Comment: This variant, c.957_977dup, results in the insertion of 7 amino acid(s) of the ARID1B protein (p.Ser320_Gly326dup), but otherwise preserves the integrity of the reading frame. This variant is not present in population databases (gnomAD no frequency). This variant has not been reported in the literature in individuals affected with ARID1B-related conditions. In summary, the available evidence is currently insufficient to determine the role of this variant in disease. Therefore, it has been classified as a Variant of Uncertain Significance.

NM_001374828.1(ARID1B):c.1206_1226dup (p.Gly409_Gly410insSerGlyGlyGlyGlyGlyGly)

Gene: ARID1B (AT-rich interaction domain 1B; plus strand). Cytogenetic location: 6q25.3.
Variant type: Duplication.
Coding change: c.1206_1226dup on transcript NM_001374828.1 (MANE Select); coding-DNA positions 1206 to 1226, 21 bases duplicated (CAGCGGAGGAGGAGGAGGAGG).
Protein change: p.Gly409_Gly410insSerGlyGlyGlyGlyGlyGly.
Molecular consequence: inframe insertion.
Genome position (GRCh38, 1-based): chr6:156,778,886-156,778,906, CAGCGGAGGAGGAGGAGGAGG duplicated; duplicating any 21 consecutive bases within chr6:156,778,872-156,778,906 gives the same sequence; the c. name uses the placement nearest the transcript's 3' end. VCF-style (leftmost placement, unchanged base first): chr6-156778871-C-CGGAGGAGGAGGAGGCAGCGGA. GRCh37 (hg19) VCF-style: chr6-157100005-C-CGGAGGAGGAGGAGGCAGCGGA.
Other names: c.1206_1226dup, p.Gly409_Gly410insSerGlyGlyGlyGlyGlyGly (NM_001371656.1, NM_001374820.1, NM_001438482.1 and 9 more transcripts).
Identifiers: ClinVar variation 4810041 (VCV004810041.1).